The following is an entry in ClinVar:

ClinVar aggregate classification (germline): Likely benign. Review status: criteria provided, multiple submitters, no conflicts (2 of 4 stars). 3 submissions from 3 submitters: Likely benign (3). Last evaluated 2025-11-27.

Conditions:
Inborn genetic diseases. Identifiers: MedGen C0950123, MeSH D030342.
Developmental and epileptic encephalopathy, 31A. Also called: Epileptic encephalopathy, early infantile, 31; Developmental and epileptic encephalopathy, 31. Identifiers: Orphanet 2382, MedGen C4225357, MONDO:0014598, OMIM 616346.

Allele frequency attached by ClinVar (database versions not stated): gnomAD 0.00001 and 0.00002; ExAC 0.00002; gnomAD exomes 0.00002; TOPMed 0.00003.
gnomAD v4.1: 32 of 1,613,978 alleles (0.002%); highest among the groups gnomAD compares: East Asian, 0.0067%; no homozygotes.

Submissions (3):

Labcorp Genetics (formerly Invitae), Labcorp
Classification: Likely benign for Developmental and epileptic encephalopathy, 31A. Last evaluated: 2025-11-27. Review status: criteria provided, single submitter. Criteria: Invitae Variant Classification Sherloc (09022015). Collection method: clinical testing. Allele origin: germline.

Ambry Genetics
Classification: Likely benign for Inborn genetic diseases. Last evaluated: 2017-09-06. Review status: criteria provided, single submitter. Criteria: Ambry Variant Classification Scheme 2023. Collection method: clinical testing. Allele origin: germline.

GeneDx
Classification: Likely benign. Last evaluated: 2016-12-19. Review status: criteria provided, single submitter. Criteria: GeneDx Variant Classification (06012015). Collection method: clinical testing. Allele origin: germline. Affected: yes.
Comment: This variant is considered likely benign or benign based on one or more of the following criteria: it is a conservative change, it occurs at a poorly conserved position in the protein, it is predicted to be benign by multiple in silico algorithms, and/or has population frequency not consistent with disease.

NM_004408.4(DNM1):c.822G>A (p.Thr274=)

Gene: DNM1 (dynamin 1; plus strand). Cytogenetic location: 9q34.11.
Variant type: single nucleotide variant.
Coding change: c.822G>A on transcript NM_004408.4 (MANE Select); coding-DNA position 822, G replaced by A.
Protein change: p.Thr274=; no amino-acid change (threonine 274 retained).
Molecular consequence: synonymous variant.
Genome position (GRCh38, 1-based): chr9:128,220,314, G>A. VCF-style: chr9-128220314-G-A. GRCh37 (hg19) VCF-style: chr9-130982593-G-A.
Other names: c.822G>A, p.Thr274= (NM_001005336.3, NM_001288737.2, NM_001288738.2 and 1 more transcripts).
Identifiers: ClinVar variation 392029 (VCV000392029.11), dbSNP rs765410948, ClinGen allele CA5257892.
Genomic context (GRCh38, chr9:128,220,314, plus strand): 5'-TGAACGAAAGTTCTTCCTCTCCCATCCATCTTATCGCCACTTGGCTGACCGTATGGGCAC[G>A]CCCTACCTGCAGAAGGTCCTCAATCAGGTAGGCGACCAAGCCAGGATGGGGCCTGGGGAA-3'
Protein context (NP_004399.2, residues 264-284): SYRHLADRMG[Thr274=]PYLQKVLNQQ